The following is an entry in ClinVar:

NM_006080.3(SEMA3A):c.1663C>T (p.Arg555Ter)

Gene: SEMA3A (semaphorin 3A; minus strand). Cytogenetic location: 7q21.11.
Variant type: single nucleotide variant.
Coding change: c.1663C>T on transcript NM_006080.3 (MANE Select); coding-DNA position 1663, C replaced by T.
Protein change: p.Arg555Ter; replaces arginine 555 with a stop codon.
Molecular consequence: nonsense.
Genome position (GRCh38, 1-based): chr7:83,977,186, G>A on the plus strand (C>T on the coding strand, the complement: SEMA3A is on the minus strand). VCF-style: chr7-83977186-G-A. GRCh37 (hg19) VCF-style: chr7-83606502-G-A.
Other names: short protein forms R555*.
Identifiers: ClinVar variation 1338530 (VCV001338530.6), dbSNP rs747485179, ClinGen allele CA4322651.

ClinVar aggregate classification (germline): Conflicting classifications of pathogenicity. Review status: criteria provided, conflicting classifications (1 of 4 stars). 2 submissions from 2 submitters: Pathogenic (1); Uncertain significance (1). Last evaluated 2022-11-25.

Allele frequency attached by ClinVar (database versions not stated): gnomAD exomes below 0.00001; ExAC 0.00001.

Submissions (2):

Centre of Medical Genetics, University Hospital Muenster
Classification: Uncertain significance. Last evaluated: 2022-11-25. Review status: criteria provided, single submitter. Criteria: ACMG Guidelines, 2015. Collection method: clinical testing. Allele origin: unknown. Affected: yes. Observed: 1 variant allele.
Comment: ACMG categories: PVS1,PP5

Genetic Services Laboratory, University of Chicago
Classification: Pathogenic. Last evaluated: 2019-07-31. Review status: criteria provided, single submitter. Criteria: ACMG Guidelines, 2015. Collection method: clinical testing. Allele origin: germline. Affected: yes.
Comment: DNA sequence analysis of the SEMA3A gene demonstrated a sequence change, c.1663C>T, which results in the creation of a premature stop codon at amino acid position 555, p.Arg555*. This pathogenic sequence change is predicted to result in an abnormal transcript, which may be degraded, or may lead to the production of a truncated SEMA3A protein with potentially abnormal function. This pathogenic sequence change is present in the gnomAD population database in the heterozygous state in a single individual (dbSNP rs747485179).